The following is an entry in ClinVar:

NM_198334.3(GANAB):c.2379G>A (p.Leu793=)

Gene: GANAB (glucosidase II alpha subunit; minus strand). Cytogenetic location: 11q12.3.
Variant type: single nucleotide variant.
Coding change: c.2379G>A on transcript NM_198334.3 (MANE Select); coding-DNA position 2379, G replaced by A.
Protein change: p.Leu793=; no amino-acid change (leucine 793 retained).
Molecular consequence: synonymous variant.
Genome position (GRCh38, 1-based): chr11:62,626,878, C>T on the plus strand (G>A on the coding strand, the complement: GANAB is on the minus strand). VCF-style: chr11-62626878-C-T. GRCh37 (hg19) VCF-style: chr11-62394350-C-T.
Other names: c.2103G>A, p.Leu701= (NM_001278192.2); c.2037G>A, p.Leu679= (NM_001278193.2); c.2088G>A, p.Leu696= (NM_001278194.2, NM_001329222.2, NM_001329223.2); c.1656G>A, p.Leu552= (NM_001329224.2, NM_001329225.2); c.2445G>A, p.Leu815= (NM_198335.4).
Identifiers: ClinVar variation 3771392 (VCV003771392.13).
Genomic context (GRCh38, chr11:62,626,878, plus strand): 5'-TTACAGGGAGATGGAACCGGCAGCCAGACCAGGCTTACTCACACTGCTTAGAGTTACAGG[C>T]AGGTACAGGGTCTGGGGACCATGATGCTTCTGGTAGCTTTGAATGTCATACCACACCTGT-3'
Protein context (NP_938148.1, residues 783-803): QKHHGPQTLY[Leu793=]PVTLSSIPVF

ClinVar aggregate classification (germline): Likely benign (1 of 4 stars; one submission).

Submission:

CeGaT Center for Human Genetics Tuebingen
Classification: Likely benign. Last evaluated: 2024-12-01. Review status: criteria provided, single submitter. Criteria: CeGaT Center For Human Genetics Tuebingen Variant Classification Criteria Version 2. Collection method: clinical testing. Allele origin: germline. Affected: yes. Observed: 1 variant allele.
Comment: GANAB: PM2:Supporting, BP4, BP7